The following is an entry in ClinVar:

NM_016507.4(CDK12):c.3500A>G (p.Gln1167Arg)

Gene: CDK12 (cyclin dependent kinase 12; plus strand). Cytogenetic location: 17q12.
Variant type: single nucleotide variant.
Coding change: c.3500A>G on transcript NM_016507.4 (MANE Select); coding-DNA position 3500, A replaced by G.
Protein change: p.Gln1167Arg; replaces glutamine 1167 with arginine.
Molecular consequence: missense variant.
Genome position (GRCh38, 1-based): chr17:39,526,056, A>G. VCF-style: chr17-39526056-A-G. GRCh37 (hg19) VCF-style: chr17-37682309-A-G.
Other names: c.3500A>G, p.Gln1167Arg (NM_015083.4); short protein forms Q1167R.
Identifiers: ClinVar variation 5034118 (VCV005034118.1).

ClinVar aggregate classification (germline): Uncertain significance (1 of 4 stars; one submission).

Submission:

Ambry Genetics
Classification: Uncertain significance. Last evaluated: 2026-07-27. Review status: criteria provided, single submitter. Criteria: Ambry Variant Classification Scheme 2023. Collection method: clinical testing. Allele origin: germline.
Comment: The p.Q1167R variant (also known as c.3500A>G), located in coding exon 13 of the CDK12 gene, results from an A to G substitution at nucleotide position 3500. The glutamine at codon 1167 is replaced by arginine, an amino acid with highly similar properties. This amino acid position is conserved. In addition, this alteration is predicted to be tolerated by in silico analysis. Based on the available evidence, the clinical significance of this variant remains unclear.